The following is an entry in ClinVar:

NC_000004.12:g.(?_635880)_(676939_?)del

Genes: ATP5ME (ATP synthase membrane subunit e; minus strand), PDE6B (phosphodiesterase 6B; plus strand). Cytogenetic location: 4p16.3.
Variant type: Deletion.
Identifiers: ClinVar variation 831909 (VCV000831909.3).

ClinVar aggregate classification (germline): Pathogenic (1 of 4 stars; one submission).

Submission:

Labcorp Genetics (formerly Invitae), Labcorp
Classification: Pathogenic. Last evaluated: 2022-02-24. Review status: criteria provided, single submitter. Criteria: Invitae Variant Classification Sherloc (09022015). Collection method: clinical testing. Allele origin: germline.
Comment: For these reasons, this variant has been classified as Pathogenic. This variant disrupts a region of the PDE6B protein in which other variant(s) (p.Pro387Leu) have been determined to be pathogenic (PMID: 21655355). This suggests that this is a clinically significant region of the protein, and that variants that disrupt it are likely to be disease-causing. This variant has not been reported in the literature in individuals affected with PDE6B-related conditions. This variant is a gross deletion of the genomic region encompassing exon(s) 3-22 of the PDE6B gene, which includes the termination codon. This deletion extends beyond the assayed region for this gene and therefore may encompass additional genes. While this deletion is not anticipated to lead to nonsense mediated decay, it is expected to alter mRNA translation or result in a truncated protein product.

Literature cited by the submitters: PubMed 21655355.